The following is an entry in ClinVar:

NM_000043.6(FAS):c.731A>T (p.Gln244Leu)

Gene: FAS (Fas cell surface death receptor; plus strand). Cytogenetic location: 10q23.31.
Variant type: single nucleotide variant.
Coding change: c.731A>T on transcript NM_000043.6 (MANE Select); coding-DNA position 731, A replaced by T.
Protein change: p.Gln244Leu; replaces glutamine 244 with leucine.
Molecular consequence: missense variant. On other transcripts: 3 prime UTR variant (2), non-coding transcript variant (7).
Genome position (GRCh38, 1-based): chr10:89,014,173, A>T. VCF-style: chr10-89014173-A-T. GRCh37 (hg19) VCF-style: chr10-90773930-A-T.
Other names: c.*54A>T (NM_001320619.2); c.776A>T, p.Gln259Leu (NM_001410956.1); c.668A>T, p.Gln223Leu (NM_152871.4); c.*43A>T (NM_152872.4); short protein forms Q223L, Q244L, Q259L.
Identifiers: ClinVar variation 2575948 (VCV002575948.1), dbSNP rs1848668661, ClinGen allele CA377509673.
Genomic context (GRCh38, chr10:89,014,173, plus strand): 5'-TTTCAGATGTTGACTTGAGTAAATATATCACCACTATTGCTGGAGTCATGACACTAAGTC[A>T]AGTTAAAGGCTTTGTTCGAAAGAATGGTGTCAATGAAGCCAAAATAGATGAGATCAAGAA-3'
Protein context (NP_000034.1, residues 234-254): TTIAGVMTLS[Gln244Leu]VKGFVRKNGV

ClinVar aggregate classification (germline): Likely pathogenic (1 of 4 stars; one submission).

Allele frequency attached by ClinVar (database versions not stated): TOPMed below 0.00001.

Submission:

Institute for Clinical Genetics, University Hospital TU Dresden, University Hospital TU Dresden
Classification: Likely pathogenic. Last evaluated: 2022-03-16. Review status: criteria provided, single submitter. Criteria: ACMG Guidelines, 2015. Collection method: clinical testing. Allele origin: germline.
Comment: PP3, PM1, PP4_MOD, PM2_SUP